The following is an entry in ClinVar:

NM_017780.4(CHD7):c.1951_1952delinsT (p.Lys650_Lys651insTer)

Genes: CHD7 (chromodomain helicase DNA binding protein 7; plus strand), LOC126860403 (CDK7 strongly-dependent group 2 enhancer GRCh37_chr8:61693034-61694233; plus strand). Cytogenetic location: 8q12.2.
Variant type: Indel.
Coding change: c.1951_1952delinsT on transcript NM_017780.4 (MANE Select); coding-DNA positions 1951 to 1952, AA replaced by T.
Protein change: p.Lys650_Lys651insTer.
Molecular consequence: nonsense. On other transcripts: intron variant (1).
Genome position (GRCh38, 1-based): chr8:60,781,285-60,781,286, AA replaced by T. VCF-style: chr8-60781285-AA-T. GRCh37 (hg19) VCF-style: chr8-61693844-AA-T.
Other names: c.1716+235_1716+236delinsT (NM_001316690.1).
Identifiers: ClinVar variation 619295 (VCV000619295.3), dbSNP rs1563595095, ClinGen allele CA913189656.

ClinVar aggregate classification (germline): Pathogenic (1 of 4 stars; one submission).

Conditions:
CHARGE syndrome (CHARGE). Also called: Coloboma, heart anomaly, choanal atresia, retardation, genital and ear anomalies; CHARGE association; Hall-Hittner syndrome; Hittner Hirsch Kreh syndrome; CHARGE ASSOCIATION--COLOBOMA, HEART ANOMALY, CHOANAL ATRESIA, RETARDATION, GENITAL AND EAR ANOMALIES. Identifiers: Orphanet 138, MedGen C0265354, MONDO:0008965.

Submission:

The Translational Medicine Center of Children Development and Disease, Fudan University
Classification: Pathogenic for CHD7-related CHARGE syndrome. Last evaluated: 2018-12-31. Review status: criteria provided, single submitter. Criteria: ACMG Guidelines, 2015. Collection method: clinical testing. Allele origin: de novo. Inheritance: Autosomal dominant inheritance. Affected: yes. Observed: 1 heterozygote.
Comment: The stop-gained variant is a de novo variant causing protein truncation.